The following is an entry in ClinVar:

NM_000057.4(BLM):c.3298A>G (p.Ile1100Val)

Gene: BLM (BLM RecQ like helicase; plus strand). Cytogenetic location: 15q26.1.
Variant type: single nucleotide variant.
Coding change: c.3298A>G on transcript NM_000057.4 (MANE Select); coding-DNA position 3298, A replaced by G.
Protein change: p.Ile1100Val; replaces isoleucine 1100 with valine.
Molecular consequence: missense variant.
Genome position (GRCh38, 1-based): chr15:90,798,277, A>G. VCF-style: chr15-90798277-A-G. GRCh37 (hg19) VCF-style: chr15-91341507-A-G.
Other names: c.3298A>G (NM_000057.2); c.3298A>G, p.Ile1100Val (NM_001287246.2, NM_001287247.2); c.2173A>G, p.Ile725Val (NM_001287248.2); short protein forms I1100V, I725V.
Identifiers: ClinVar variation 1061614 (VCV001061614.15), dbSNP rs1897079693, ClinGen allele CA393847288.

ClinVar aggregate classification (germline): Uncertain significance. Review status: criteria provided, multiple submitters, no conflicts (2 of 4 stars). 3 submissions from 3 submitters: Uncertain significance (2). 1 of the submissions does not count toward it. Last evaluated 2025-09-27.

Conditions:
Bloom syndrome (BLM). Also called: Bloom-Torre-Machacek syndrome. Identifiers: Orphanet 125, MedGen C0005859, MONDO:0008876, OMIM 210900.
Hereditary cancer-predisposing syndrome. Also called: Neoplastic Syndromes, Hereditary; Hereditary Cancer Syndrome; Hereditary neoplastic syndrome; Tumor predisposition. Identifiers: Orphanet 140162, MedGen C0027672, MeSH D009386, MONDO:0015356.

Allele frequency attached by ClinVar (database versions not stated): gnomAD 0.00001.
gnomAD v4.1: 1 of 1,612,636 alleles (0.000062%); highest among the groups gnomAD compares: Admixed American, 0.0017%; no homozygotes.

Submissions (3):

Labcorp Genetics (formerly Invitae), Labcorp
Classification: Uncertain significance for Bloom syndrome. Last evaluated: 2025-09-27. Review status: criteria provided, single submitter. Criteria: Invitae Variant Classification Sherloc (09022015). Collection method: clinical testing. Allele origin: germline.
Comment: This sequence change replaces isoleucine, which is neutral and non-polar, with valine, which is neutral and non-polar, at codon 1100 of the BLM protein (p.Ile1100Val). This variant is not present in population databases (gnomAD no frequency). This variant has not been reported in the literature in individuals affected with BLM-related conditions. ClinVar contains an entry for this variant (Variation ID: 1061614). An algorithm developed to predict the effect of missense changes on protein structure and function outputs the following: PolyPhen-2: "Benign". The valine amino acid residue is found in multiple mammalian species, which suggests that this missense change does not adversely affect protein function. In summary, the available evidence is currently insufficient to determine the role of this variant in disease. Therefore, it has been classified as a Variant of Uncertain Significance.

Ambry Genetics
Classification: Uncertain significance for Hereditary cancer-predisposing syndrome. Last evaluated: 2025-08-22. Review status: criteria provided, single submitter. Criteria: Ambry Variant Classification Scheme 2023. Collection method: clinical testing. Allele origin: germline.
Comment: The p.I1100V variant (also known as c.3298A>G), located in coding exon 16 of the BLM gene, results from an A to G substitution at nucleotide position 3298. The isoleucine at codon 1100 is replaced by valine, an amino acid with highly similar properties. This amino acid position is conserved. In addition, this alteration is predicted to be tolerated by in silico analysis. Since supporting evidence is limited at this time, the clinical significance of this alteration remains unclear.

Natera, Inc.
Classification: Uncertain significance for Bloom syndrome. Last evaluated: 2020-04-22. Review status: no assertion criteria provided. Collection method: clinical testing. Allele origin: germline. Not counted in ClinVar's aggregate classification.